The following is an entry in ClinVar:

NM_194277.3(FRMD7):c.466G>A (p.Gly156Ser)

Gene: FRMD7 (FERM domain containing 7; minus strand). Cytogenetic location: Xq26.2.
Variant type: single nucleotide variant.
Coding change: c.466G>A on transcript NM_194277.3 (MANE Select); coding-DNA position 466, G replaced by A.
Protein change: p.Gly156Ser; replaces glycine 156 with serine.
Molecular consequence: missense variant.
Genome position (GRCh38, 1-based): chrX:132,085,951, C>T on the plus strand (G>A on the coding strand, the complement: FRMD7 is on the minus strand). VCF-style: chrX-132085951-C-T. GRCh37 (hg19) VCF-style: chrX-131219979-C-T.
Other names: c.421G>A, p.Gly141Ser (NM_001306193.2); short protein forms G141S, G156S.
Identifiers: ClinVar variation 1941085 (VCV001941085.5), dbSNP rs1427448594, ClinGen allele CA414681344.
Genomic context (GRCh38, chrX:132,085,951, plus strand): 5'-GGAAGCAGGTGCCAGCTGAAAGTACTTACATGTGCTTCTGATGAAAGTGCATGATCTTGC[C>T]CTCTAAACAGTCTTGGTTTGGTAAGTACCGAGTTTGTGCCAGATGCTTCCTATCTGTTTC-3'
Protein context (NP_919253.1, residues 146-166): RYLPNQDCLE[Gly156Ser]KIMHFHQKHI

ClinVar aggregate classification (germline): Uncertain significance (1 of 4 stars; one submission).

Allele frequency attached by ClinVar (database versions not stated): gnomAD exomes below 0.00001.

Submission:

Labcorp Genetics (formerly Invitae), Labcorp
Classification: Uncertain significance. Last evaluated: 2022-02-22. Review status: criteria provided, single submitter. Criteria: Invitae Variant Classification Sherloc (09022015). Collection method: clinical testing. Allele origin: germline.
Comment: In summary, the available evidence is currently insufficient to determine the role of this variant in disease. Therefore, it has been classified as a Variant of Uncertain Significance. Algorithms developed to predict the effect of missense changes on protein structure and function output the following: SIFT: "Tolerated"; PolyPhen-2: "Benign"; Align-GVGD: "Class C0". The serine amino acid residue is found in multiple mammalian species, which suggests that this missense change does not adversely affect protein function. This variant has not been reported in the literature in individuals affected with FRMD7-related conditions. This variant is not present in population databases (gnomAD no frequency). This sequence change replaces glycine, which is neutral and non-polar, with serine, which is neutral and polar, at codon 156 of the FRMD7 protein (p.Gly156Ser).